The following is an entry in ClinVar:

ClinVar aggregate classification (germline): Uncertain significance (1 of 4 stars; one submission).

Conditions:
Inborn genetic diseases. Identifiers: MedGen C0950123, MeSH D030342.

Submission:

Ambry Genetics
Classification: Uncertain significance for Inborn genetic diseases. Last evaluated: 2025-04-16. Review status: criteria provided, single submitter. Criteria: Ambry Variant Classification Scheme 2023. Collection method: clinical testing. Allele origin: germline.
Comment: The p.I303T variant (also known as c.908T>C), located in coding exon 5 of the ERCC6L2 gene, results from a T to C substitution at nucleotide position 908. The isoleucine at codon 303 is replaced by threonine, an amino acid with similar properties. This amino acid position is conserved. In addition, this alteration is predicted to be deleterious by in silico analysis. Based on the available evidence, the clinical significance of this variant remains unclear.

NM_020207.7(ERCC6L2):c.908T>C (p.Ile303Thr)

Gene: ERCC6L2 (ERCC excision repair 6 like 2; plus strand). Cytogenetic location: 9q22.32.
Variant type: single nucleotide variant.
Coding change: c.908T>C on transcript NM_020207.7 (MANE Select); coding-DNA position 908, T replaced by C.
Protein change: p.Ile303Thr; replaces isoleucine 303 with threonine.
Molecular consequence: missense variant. On other transcripts: non-coding transcript variant (1).
Genome position (GRCh38, 1-based): chr9:95,915,787, T>C. VCF-style: chr9-95915787-T-C. GRCh37 (hg19) VCF-style: chr9-98678069-T-C.
Other names: c.908T>C, p.Ile303Thr (NM_001010895.4, NM_001375291.1, NM_001375292.1 and 2 more transcripts); short protein forms I303T.
Identifiers: ClinVar variation 4019311 (VCV004019311.1).